The following is an entry in ClinVar:

NM_001458.5(FLNC):c.7328G>A (p.Arg2443Gln)

Genes: FLNC (filamin C; plus strand), FLNC-AS1 (FLNC antisense RNA 1; minus strand). Cytogenetic location: 7q32.1.
Variant type: single nucleotide variant.
Coding change: c.7328G>A on transcript NM_001458.5 (MANE Select); coding-DNA position 7328, G replaced by A.
Protein change: p.Arg2443Gln; replaces arginine 2443 with glutamine.
Molecular consequence: missense variant.
Genome position (GRCh38, 1-based): chr7:128,856,594, G>A. VCF-style: chr7-128856594-G-A. GRCh37 (hg19) VCF-style: chr7-128496648-G-A.
Other names: c.7229G>A, p.Arg2410Gln (NM_001127487.2); short protein forms R2443Q, R2410Q.
Identifiers: ClinVar variation 472168 (VCV000472168.11), dbSNP rs370293647, ClinGen allele CA4476237.

ClinVar aggregate classification (germline): Conflicting classifications of pathogenicity. Review status: criteria provided, conflicting classifications (1 of 4 stars). 3 submissions from 3 submitters: Uncertain significance (2); Likely benign (1). Last evaluated 2025-11-23.

Conditions:
Cardiovascular phenotype. Identifiers: MedGen CN230736.
Distal myopathy with posterior leg and anterior hand involvement. Also called: WILLIAMS DISTAL MYOPATHY. Identifiers: Orphanet 63273, MedGen C3279722, MONDO:0013550, OMIM 614065.
Myofibrillar myopathy 5. Also called: Filaminopathy (type); FILAMINOPATHY, AUTOSOMAL DOMINANT. Identifiers: Orphanet 171445, MedGen C1836050, MONDO:0012289, OMIM 609524.
Hypertrophic cardiomyopathy 26. Also called: Cardiomyopathy, familial hypertrophic, 26. Identifiers: Orphanet 75249, MedGen C4310749, MONDO:0014883, OMIM 617047.

Allele frequency attached by ClinVar (database versions not stated): TOPMed below 0.00001; gnomAD 0.00001; gnomAD exomes 0.00001; ExAC 0.00002; ESP Exome Variant Server 0.00008.
gnomAD v4.1: 14 of 1,612,608 alleles (0.00087%); highest among the groups gnomAD compares: African/African-American, 0.0013%; no homozygotes.

Submissions (3):

Labcorp Genetics (formerly Invitae), Labcorp
Classification: Likely benign for Distal myopathy with posterior leg and anterior hand involvement; Myofibrillar myopathy 5; Hypertrophic cardiomyopathy 26. Last evaluated: 2025-11-23. Review status: criteria provided, single submitter. Criteria: Invitae Variant Classification Sherloc (09022015). Collection method: clinical testing. Allele origin: germline.

Ambry Genetics
Classification: Uncertain significance for Cardiovascular phenotype. Last evaluated: 2025-06-05. Review status: criteria provided, single submitter. Criteria: Ambry Variant Classification Scheme 2023. Collection method: clinical testing. Allele origin: germline.
Comment: The p.R2443Q variant (also known as c.7328G>A), located in coding exon 44 of the FLNC gene, results from a G to A substitution at nucleotide position 7328. The arginine at codon 2443 is replaced by glutamine, an amino acid with highly similar properties. This amino acid position is not well conserved in available vertebrate species. In addition, this alteration is predicted to be tolerated by in silico analysis. Based on the available evidence, the clinical significance of this variant remains unclear.

Fulgent Genetics
Classification: Uncertain significance for Myofibrillar myopathy 5; Distal myopathy with posterior leg and anterior hand involvement; Hypertrophic cardiomyopathy 26. Last evaluated: 2021-12-06. Review status: criteria provided, single submitter. Criteria: ACMG Guidelines, 2015. Collection method: clinical testing. Allele origin: unknown.